The following is an entry in ClinVar:

ClinVar aggregate classification (germline): Uncertain significance (1 of 4 stars; one submission).

Conditions:
Peroxisome biogenesis disorder 3A (Zellweger). Also called: PEROXISOMAL BIOGENESIS DISORDER 3A (ZELLWEGER); Peroxisome biogenesis disorder 3A. Identifiers: Orphanet 912, MedGen C3553929, MONDO:0013927, OMIM 614859.

Allele frequency attached by ClinVar (database versions not stated): ExAC 0.00001; gnomAD 0.00002 and 0.00003; TOPMed 0.00002; gnomAD exomes 0.00003; ESP Exome Variant Server 0.00008.

Submission:

Labcorp Genetics (formerly Invitae), Labcorp
Classification: Uncertain significance for Peroxisome biogenesis disorder 3A (Zellweger). Last evaluated: 2022-02-05. Review status: criteria provided, single submitter. Criteria: Invitae Variant Classification Sherloc (09022015). Collection method: clinical testing. Allele origin: germline.
Comment: This sequence change replaces phenylalanine, which is neutral and non-polar, with cysteine, which is neutral and slightly polar, at codon 82 of the PEX12 protein (p.Phe82Cys). This variant is present in population databases (rs140611267, gnomAD 0.004%). This variant has not been reported in the literature in individuals affected with PEX12-related conditions. ClinVar contains an entry for this variant (Variation ID: 1001429). Algorithms developed to predict the effect of missense changes on protein structure and function (SIFT, PolyPhen-2, Align-GVGD) all suggest that this variant is likely to be disruptive. In summary, the available evidence is currently insufficient to determine the role of this variant in disease. Therefore, it has been classified as a Variant of Uncertain Significance.

NM_000286.3(PEX12):c.245T>G (p.Phe82Cys)

Gene: PEX12 (peroxisomal biogenesis factor 12; minus strand). Cytogenetic location: 17q12.
Variant type: single nucleotide variant.
Coding change: c.245T>G on transcript NM_000286.3 (MANE Select); coding-DNA position 245, T replaced by G.
Protein change: p.Phe82Cys; replaces phenylalanine 82 with cysteine.
Molecular consequence: missense variant.
Genome position (GRCh38, 1-based): chr17:35,577,473, A>C on the plus strand (T>G on the coding strand, the complement: PEX12 is on the minus strand). VCF-style: chr17-35577473-A-C. GRCh37 (hg19) VCF-style: chr17-33904492-A-C.
Other names: short protein forms F82C.
Identifiers: ClinVar variation 1001429 (VCV001001429.6), dbSNP rs140611267, ClinGen allele CA8504937.
Genomic context (GRCh38, chr17:35,577,473, plus strand): 5'-CTCTGAGACTTGTGAGTGTCCCCCATTACAATTCTCTTTAAGCCGTAAAAGTTTTCAGAA[A>C]ATGAGGCACTGGTTCTAGACAGATAATGTTGCTGGAGCAGAAGATCTAGCAGAGTAAAGA-3'
Protein context (NP_000277.1, residues 72-92): QHYLSRTSAS[Phe82Cys]SENFYGLKRI